The following is an entry in ClinVar:

NM_004104.5(FASN):c.3902A>G (p.Asp1301Gly)

Gene: FASN (fatty acid synthase; minus strand). Cytogenetic location: 17q25.3.
Variant type: single nucleotide variant.
Coding change: c.3902A>G on transcript NM_004104.5 (MANE Select); coding-DNA position 3902, A replaced by G.
Protein change: p.Asp1301Gly; replaces aspartic acid 1301 with glycine.
Molecular consequence: missense variant.
Genome position (GRCh38, 1-based): chr17:82,085,702, T>C on the plus strand (A>G on the coding strand, the complement: FASN is on the minus strand). VCF-style: chr17-82085702-T-C. GRCh37 (hg19) VCF-style: chr17-80043578-T-C.
Other names: short protein forms D1301G.
Identifiers: ClinVar variation 2604106 (VCV002604106.5), dbSNP rs1425093621, ClinGen allele CA401549764.

ClinVar aggregate classification (germline): Uncertain significance. Review status: criteria provided, multiple submitters, no conflicts (2 of 4 stars). 2 submissions from 2 submitters: Uncertain significance (2). Last evaluated 2025-09-02.

Conditions:
Epileptic encephalopathy. Identifiers: MedGen C0543888, HP:0200134.

Allele frequency attached by ClinVar (database versions not stated): gnomAD 0.00001; gnomAD exomes 0.00001; TOPMed below 0.00001.
gnomAD v4.1: 13 of 1,567,410 alleles (0.00083%); highest among the groups gnomAD compares: East Asian, 0.031%; no homozygotes.

Submissions (2):

Labcorp Genetics (formerly Invitae), Labcorp
Classification: Uncertain significance for Epileptic encephalopathy. Last evaluated: 2025-09-02. Review status: criteria provided, single submitter. Criteria: Invitae Variant Classification Sherloc (09022015). Collection method: clinical testing. Allele origin: germline.
Comment: This sequence change replaces aspartic acid, which is acidic and polar, with glycine, which is neutral and non-polar, at codon 1301 of the FASN protein (p.Asp1301Gly). This variant is present in population databases (no rsID available, gnomAD 0.03%). This variant has not been reported in the literature in individuals affected with FASN-related conditions. ClinVar contains an entry for this variant (Variation ID: 2604106). An algorithm developed to predict the effect of missense changes on protein structure and function outputs the following: PolyPhen-2: "Benign". The glycine amino acid residue is found in multiple mammalian species, which suggests that this missense change does not adversely affect protein function. In summary, the available evidence is currently insufficient to determine the role of this variant in disease. Therefore, it has been classified as a Variant of Uncertain Significance.

Ambry Genetics
Classification: Uncertain significance. Last evaluated: 2023-06-16. Review status: criteria provided, single submitter. Criteria: Ambry Variant Classification Scheme 2023. Collection method: clinical testing. Allele origin: germline.